The following is an entry in ClinVar:

NM_024741.3(ZNF408):c.1546C>T (p.Arg516Trp)

Gene: ZNF408 (zinc finger protein 408; plus strand). Cytogenetic location: 11p11.2.
Variant type: single nucleotide variant.
Coding change: c.1546C>T on transcript NM_024741.3 (MANE Select); coding-DNA position 1546, C replaced by T.
Protein change: p.Arg516Trp; replaces arginine 516 with tryptophan.
Molecular consequence: missense variant.
Genome position (GRCh38, 1-based): chr11:46,705,246, C>T. VCF-style: chr11-46705246-C-T. GRCh37 (hg19) VCF-style: chr11-46726796-C-T.
Other names: c.1522C>T, p.Arg508Trp (NM_001184751.2); short protein forms R508W, R516W.
Identifiers: ClinVar variation 966215 (VCV000966215.11), dbSNP rs754950117, ClinGen allele CA5966596.

ClinVar aggregate classification (germline): Uncertain significance. Review status: criteria provided, multiple submitters, no conflicts (2 of 4 stars). 3 submissions from 3 submitters: Uncertain significance (2). 1 of the submissions does not count toward it. Last evaluated 2025-04-17.

Conditions:
Retinal dystrophy. Also called: Inherited retinal dystrophy. Identifiers: Orphanet 71862, MedGen C0854723, MeSH D058499, MONDO:0019118, HP:0000556.

Allele frequency attached by ClinVar (database versions not stated): gnomAD 0.00001; gnomAD exomes 0.00001; TOPMed 0.00002.

Submissions (3):

Labcorp Genetics (formerly Invitae), Labcorp
Classification: Uncertain significance. Last evaluated: 2025-04-17. Review status: criteria provided, single submitter. Criteria: Invitae Variant Classification Sherloc (09022015). Collection method: clinical testing. Allele origin: germline.
Comment: This sequence change replaces arginine, which is basic and polar, with tryptophan, which is neutral and slightly polar, at codon 516 of the ZNF408 protein (p.Arg516Trp). This variant is present in population databases (rs754950117, gnomAD 0.005%). This variant has not been reported in the literature in individuals affected with ZNF408-related conditions. ClinVar contains an entry for this variant (Variation ID: 966215). An algorithm developed to predict the effect of missense changes on protein structure and function (PolyPhen-2) suggests that this variant is likely to be disruptive. In summary, the available evidence is currently insufficient to determine the role of this variant in disease. Therefore, it has been classified as a Variant of Uncertain Significance.

Blueprint Genetics
Classification: Uncertain significance. Last evaluated: 2019-03-31. Review status: criteria provided, single submitter. Criteria: ACMG Guidelines, 2015. Collection method: clinical testing. Allele origin: germline.

Institute of Human Genetics, Univ. Regensburg, Univ. Regensburg
Classification: Uncertain significance for Retinal dystrophy. Last evaluated: 2020-01-01. Review status: no assertion criteria provided. Criteria: ACMG Guidelines, 2015. Collection method: clinical testing. Allele origin: germline. Affected: yes. Not counted in ClinVar's aggregate classification.